The following is an entry in ClinVar:

NM_152703.5(SAMD9L):c.784G>A (p.Asp262Asn)

Gene: SAMD9L (sterile alpha motif domain containing 9 like; minus strand). Cytogenetic location: 7q21.2.
Variant type: single nucleotide variant.
Coding change: c.784G>A on transcript NM_152703.5 (MANE Select); coding-DNA position 784, G replaced by A.
Protein change: p.Asp262Asn; replaces aspartic acid 262 with asparagine.
Molecular consequence: missense variant.
Genome position (GRCh38, 1-based): chr7:93,135,188, C>T on the plus strand (G>A on the coding strand, the complement: SAMD9L is on the minus strand). VCF-style: chr7-93135188-C-T. GRCh37 (hg19) VCF-style: chr7-92764501-C-T.
Other names: c.784G>A, p.Asp262Asn (NM_001303496.3, NM_001303497.3, NM_001303498.3 and 5 more transcripts); c.784G>A (NM_152703.2); short protein forms D262N.
Identifiers: ClinVar variation 1494769 (VCV001494769.9), dbSNP rs751440987, ClinGen allele CA4343821.

ClinVar aggregate classification (germline): Uncertain significance. Review status: criteria provided, multiple submitters, no conflicts (2 of 4 stars). 2 submissions from 2 submitters: Uncertain significance (2). Last evaluated 2025-09-25.

Conditions:
Inborn genetic diseases. Identifiers: MedGen C0950123, MeSH D030342.

Allele frequency attached by ClinVar (database versions not stated): gnomAD exomes below 0.00001; TOPMed below 0.00001; ExAC 0.00001.
gnomAD v4.1: 2 of 1,613,916 alleles (0.00012%); highest among the groups gnomAD compares: Admixed American, 0.0017%; no homozygotes.

Submissions (2):

Ambry Genetics
Classification: Uncertain significance for Inborn genetic diseases. Last evaluated: 2025-09-25. Review status: criteria provided, single submitter. Criteria: Ambry Variant Classification Scheme 2023. Collection method: clinical testing. Allele origin: germline.
Comment: The p.D262N variant (also known as c.784G>A), located in coding exon 1 of the SAMD9L gene, results from a G to A substitution at nucleotide position 784. The aspartic acid at codon 262 is replaced by asparagine, an amino acid with highly similar properties. This amino acid position is conserved. In addition, this alteration is predicted to be tolerated by in silico analysis. Based on the available evidence, the clinical significance of this variant remains unclear.

Labcorp Genetics (formerly Invitae), Labcorp
Classification: Uncertain significance. Last evaluated: 2022-08-09. Review status: criteria provided, single submitter. Criteria: Invitae Variant Classification Sherloc (09022015). Collection method: clinical testing. Allele origin: germline.
Comment: In summary, the available evidence is currently insufficient to determine the role of this variant in disease. Therefore, it has been classified as a Variant of Uncertain Significance. Algorithms developed to predict the effect of missense changes on protein structure and function output the following: SIFT: "Not Available"; PolyPhen-2: "Benign"; Align-GVGD: "Not Available". The asparagine amino acid residue is found in multiple mammalian species, which suggests that this missense change does not adversely affect protein function. ClinVar contains an entry for this variant (Variation ID: 1494769). This variant has not been reported in the literature in individuals affected with SAMD9L-related conditions. This variant is present in population databases (rs751440987, gnomAD 0.003%). This sequence change replaces aspartic acid, which is acidic and polar, with asparagine, which is neutral and polar, at codon 262 of the SAMD9L protein (p.Asp262Asn).